The following is an entry in ClinVar:

NM_003193.5(TBCE):c.251C>T (p.Ala84Val)

Gene: TBCE (tubulin folding cofactor E; plus strand). Cytogenetic location: 1q42.3.
Variant type: single nucleotide variant.
Coding change: c.251C>T on transcript NM_003193.5 (MANE Select); coding-DNA position 251, C replaced by T.
Protein change: p.Ala84Val; replaces alanine 84 with valine.
Molecular consequence: missense variant. On other transcripts: 5 prime UTR variant (1).
Genome position (GRCh38, 1-based): chr1:235,414,498, C>T. VCF-style: chr1-235414498-C-T. GRCh37 (hg19) VCF-style: chr1-235577813-C-T.
Other names: c.251C>T, p.Ala84Val (NM_001079515.3, NM_001287801.2); c.-145C>T (NM_001287802.2); short protein forms A84V.
Identifiers: ClinVar variation 1902564 (VCV001902564.2), dbSNP rs752392215, ClinGen allele CA1463981.

ClinVar aggregate classification (germline): Uncertain significance (1 of 4 stars; one submission).

Allele frequency attached by ClinVar (database versions not stated): ExAC 0.00001; gnomAD 0.00001; gnomAD exomes 0.00001; TOPMed 0.00001.
gnomAD v4.1: 7 of 1,613,476 alleles (0.00043%); highest among the groups gnomAD compares: Admixed American, 0.012%; no homozygotes.

Submission:

Labcorp Genetics (formerly Invitae), Labcorp
Classification: Uncertain significance. Last evaluated: 2022-09-26. Review status: criteria provided, single submitter. Criteria: Invitae Variant Classification Sherloc (09022015). Collection method: clinical testing. Allele origin: germline.
Comment: This sequence change replaces alanine, which is neutral and non-polar, with valine, which is neutral and non-polar, at codon 84 of the TBCE protein (p.Ala84Val). This variant is present in population databases (rs752392215, gnomAD 0.02%). This variant has not been reported in the literature in individuals affected with TBCE-related conditions. Advanced modeling of protein sequence and biophysical properties (such as structural, functional, and spatial information, amino acid conservation, physicochemical variation, residue mobility, and thermodynamic stability) has been performed at Invitae for this missense variant, however the output from this modeling did not meet the statistical confidence thresholds required to predict the impact of this variant on TBCE protein function. In summary, the available evidence is currently insufficient to determine the role of this variant in disease. Therefore, it has been classified as a Variant of Uncertain Significance.